The following is an entry in ClinVar:

ClinVar aggregate classification (germline): Uncertain significance (1 of 4 stars; one submission).

Conditions:
Cardiomyopathy (CMYO). Also called: Cardiomyopathies. Identifiers: Orphanet 167848, MedGen C0878544, MONDO:0004994, HP:0001638. Inheritance: Various modes of inheritance.

gnomAD v4.1: 1 of 1,614,188 alleles (0.000062%); highest among the groups gnomAD compares: Non-Finnish European, 0.000085%; no homozygotes.

Submission:

All of Us Research Program, National Institutes of Health
Classification: Uncertain significance for Cardiomyopathy. Last evaluated: 2023-08-15. Review status: criteria provided, single submitter. Criteria: ACMG Guidelines, 2015. Collection method: clinical testing. Allele origin: germline. Inheritance: Autosomal dominant inheritance. Observed: 2 variant alleles, 2 heterozygotes.
Comment: This missense variant replaces leucine with phenylalanine at codon 1306 of the MYH7 protein. Computational prediction suggests that this variant may not impact protein structure and function (internally defined REVEL score threshold <= 0.5, PMID: 27666373). To our knowledge, functional studies have not been reported for this variant. This variant has not been reported in individuals affected with MYH7-related disorders in the literature. This variant has not been identified in the general population by the Genome Aggregation Database (gnomAD). The available evidence is insufficient to determine the role of this variant in disease conclusively. Therefore, this variant is classified as a Variant of Uncertain Significance.

This study involves interpretation of variants in research participants for the purpose of population health screening. Participant phenotype was not available at the time of variant classification. Additional details can be found in publication PMID: 35346344, PMCID: PMC8962531

NM_000257.4(MYH7):c.3916C>T (p.Leu1306Phe)

Gene: MYH7 (myosin heavy chain 7; minus strand). Cytogenetic location: 14q11.2.
Variant type: single nucleotide variant.
Coding change: c.3916C>T on transcript NM_000257.4 (MANE Select); coding-DNA position 3916, C replaced by T.
Protein change: p.Leu1306Phe; replaces leucine 1306 with phenylalanine.
Molecular consequence: missense variant.
Genome position (GRCh38, 1-based): chr14:23,419,233, G>A on the plus strand (C>T on the coding strand, the complement: MYH7 is on the minus strand). VCF-style: chr14-23419233-G-A. GRCh37 (hg19) VCF-style: chr14-23888442-G-A.
Other names: c.3916C>T, p.Leu1306Phe (NM_001407004.1); short protein forms L1306F.
Identifiers: ClinVar variation 3070000 (VCV003070000.1), dbSNP rs2502260329, ClinGen allele CA389041608.